The following is an entry in ClinVar:

NM_002599.5(PDE2A):c.71+5798G>A

Genes: PDE2A (phosphodiesterase 2A; minus strand), PDE2A-AS1 (PDE2A antisense RNA 1; plus strand). Cytogenetic location: 11q13.4.
Variant type: single nucleotide variant.
Coding change: c.71+5798G>A on transcript NM_002599.5 (MANE Select); 5798 bases into the intron after coding-DNA position 71, G replaced by A.
Molecular consequence: intron variant. On other transcripts: missense variant (1), initiator codon variant (1).
Genome position (GRCh38, 1-based): chr11:72,668,339, C>T on the plus strand (G>A on the coding strand, the complement: PDE2A is on the minus strand). VCF-style: chr11-72668339-C-T. GRCh37 (hg19) VCF-style: chr11-72379383-C-T.
Other names: c.3G>A, p.Met1Ile (NM_001146209.3); short protein forms M1I.
Identifiers: ClinVar variation 3054614 (VCV003054614.2), dbSNP rs190149811, ClinGen allele CA6172804.

ClinVar aggregate classification (germline): Likely benign (0 of 4 stars; one submission).

Conditions:
PDE2A-related disorder. Also called: PDE2A-related condition.

Allele frequency attached by ClinVar (database versions not stated): gnomAD exomes 0.00016; ExAC 0.00060; gnomAD 0.00147; TOPMed 0.00164; 1000 Genomes Project 30x 0.00172; 1000 Genomes Project 0.00180; ESP Exome Variant Server 0.00219.
gnomAD v4.1: 317 of 718,792 alleles (0.044%); highest among the groups gnomAD compares: African/African-American, 0.52%; 5 homozygotes.

Submission:

PreventionGenetics, part of Exact Sciences
Classification: Likely benign for PDE2A-related condition. Last evaluated: 2023-07-30. Review status: no assertion criteria provided. Collection method: clinical testing. Allele origin: germline.
Comment: This variant is classified as likely benign based on ACMG/AMP sequence variant interpretation guidelines (Richards et al. 2015 PMID: 25741868, with internal and published modifications).